The following is an entry in ClinVar:

NM_003922.4(HERC1):c.13142C>G (p.Thr4381Arg)

Gene: HERC1 (HECT and RLD domain containing E3 ubiquitin protein ligase family member 1; minus strand). Cytogenetic location: 15q22.31.
Variant type: single nucleotide variant.
Coding change: c.13142C>G on transcript NM_003922.4 (MANE Select); coding-DNA position 13142, C replaced by G.
Protein change: p.Thr4381Arg; replaces threonine 4381 with arginine.
Molecular consequence: missense variant.
Genome position (GRCh38, 1-based): chr15:63,626,118, G>C on the plus strand (C>G on the coding strand, the complement: HERC1 is on the minus strand). VCF-style: chr15-63626118-G-C. GRCh37 (hg19) VCF-style: chr15-63918317-G-C.
Other names: short protein forms T4381R.
Identifiers: ClinVar variation 373370 (VCV000373370.1), dbSNP rs939196743, ClinGen allele CA16042950.

ClinVar aggregate classification (germline): Uncertain significance (1 of 4 stars; one submission).

gnomAD v4.1: 1 of 1,613,686 alleles (0.000062%); highest among the groups gnomAD compares: Non-Finnish European, 0.000085%; no homozygotes.

Submission:

GeneDx
Classification: Uncertain significance. Last evaluated: 2016-12-05. Review status: criteria provided, single submitter. Criteria: GeneDx Variant Classification (06012015). Collection method: clinical testing. Allele origin: germline. Affected: yes.
Comment: The T4381R variant in the HERC1 gene has not been reported previously as a pathogenic variant, nor as a benign variant, to our knowledge. The T4381R variant was not observed in approximately 6100 individuals of European and African American ancestry in the NHLBI Exome Sequencing Project, indicating it is not a common benign variant in these populations. The T4381R variant is a semi-conservative amino acid substitution, which may impact secondary protein structure as these residues differ in some properties. However, this substitution occurs at a position that is not conserved, and in silico analysis predicts this variant likely does not alter the protein structure/function. We interpret T4381R as a variant of uncertain significance.